The following is an entry in ClinVar:

ClinVar aggregate classification (germline): Uncertain significance. Review status: criteria provided, multiple submitters, no conflicts (2 of 4 stars). 4 submissions from 4 submitters: Uncertain significance (4). Last evaluated 2022-04-18.

Conditions:
Familial hemophagocytic lymphohistiocytosis 3 (FHL3). Also called: UNC13D-Related Familial Hemophagocytic Lymphohistiocytosis (UNC13D-fHLH). Identifiers: Orphanet 540, MedGen C1837174, MONDO:0012146, OMIM 608898.
Autoinflammatory syndrome. Identifiers: Orphanet 93665, MedGen C3890737, MONDO:0019751.

Allele frequency attached by ClinVar (database versions not stated): gnomAD 0.00001 and 0.00003; TOPMed 0.00003; gnomAD exomes 0.00007; ExAC 0.00008; 1000 Genomes Project 30x 0.00016; 1000 Genomes Project 0.00020.

Submissions (4):

Labcorp Genetics (formerly Invitae), Labcorp
Classification: Uncertain significance for Familial hemophagocytic lymphohistiocytosis 3. Last evaluated: 2022-04-18. Review status: criteria provided, single submitter. Criteria: Invitae Variant Classification Sherloc (09022015). Collection method: clinical testing. Allele origin: germline.
Comment: This sequence change replaces serine, which is neutral and polar, with leucine, which is neutral and non-polar, at codon 290 of the UNC13D protein (p.Ser290Leu). This variant is present in population databases (rs202020396, gnomAD 0.01%). This missense change has been observed in individual(s) with hemophagocytic lymphohistiocytosis (PMID: 16278825, 24916509). ClinVar contains an entry for this variant (Variation ID: 960980). Algorithms developed to predict the effect of missense changes on protein structure and function output the following: SIFT: "Not Available"; PolyPhen-2: "Benign"; Align-GVGD: "Not Available". The leucine amino acid residue is found in multiple mammalian species, which suggests that this missense change does not adversely affect protein function. In summary, the available evidence is currently insufficient to determine the role of this variant in disease. Therefore, it has been classified as a Variant of Uncertain Significance.

Women's Health and Genetics/Laboratory Corporation of America, LabCorp
Classification: Uncertain significance. Last evaluated: 2022-02-26. Review status: criteria provided, single submitter. Criteria: LabCorp Variant Classification Summary - May 2015. Collection method: clinical testing. Allele origin: germline.
Comment: Variant summary: UNC13D c.869C>T (p.Ser290Leu) results in a non-conservative amino acid change in the encoded protein sequence. Four of five in-silico tools predict a benign effect of the variant on protein function. The variant allele was found at a frequency of 6.9e-05 in 246780 control chromosomes. This frequency is not significantly higher than estimated for a pathogenic variant in UNC13D causing Familial Hemophagocytic Lymphohistiocytosis (6.9e-05 vs 0.0027), allowing no conclusion about variant significance. c.869C>T has been reported in the literature as a heterozygous variant in individuals with Familial Hemophagocytic Lymphohistiocytosis, and a possible digenic model of inheritance has also been proposed in one study (examples, Stadt_2006, Zhang_2014). These report(s) do not provide unequivocal conclusions about association of the variant with Familial Hemophagocytic Lymphohistiocytosis. To our knowledge, no experimental evidence demonstrating an impact on protein function has been reported. Two clinical diagnostic laboratories have submitted clinical-significance assessments for this variant to ClinVar after 2014 without evidence for independent evaluation. All laboratories classified the variant as uncertain significance. Based on the evidence outlined above, the variant was classified as uncertain significance.

Baylor Genetics
Classification: Uncertain significance for Familial hemophagocytic lymphohistiocytosis 3. Last evaluated: 2020-07-08. Review status: criteria provided, single submitter. Criteria: ACMG Guidelines, 2015. Collection method: clinical testing. Allele origin: unknown. Affected: yes.
Comment: This variant was determined to be of uncertain significance according to ACMG Guidelines, 2015 [PMID:25741868].

Genome Diagnostics Laboratory, The Hospital for Sick Children
Classification: Uncertain significance for Autoinflammatory syndrome. Last evaluated: 2017-05-09. Review status: criteria provided, single submitter. Criteria: ACMG Guidelines, 2015. Collection method: clinical testing. Allele origin: germline. Affected: yes.

Literature cited by the submitters: PubMed 16278825 (cited by Labcorp Genetics (formerly Invitae), Labcorp and Women's Health and Genetics/Laboratory Corporation of America, LabCorp); PubMed 24916509 (cited by Labcorp Genetics (formerly Invitae), Labcorp and Women's Health and Genetics/Laboratory Corporation of America, LabCorp); PubMed 29549174 (cited by Women's Health and Genetics/Laboratory Corporation of America, LabCorp).

NM_199242.3(UNC13D):c.869C>T (p.Ser290Leu)

Gene: UNC13D (unc-13 homolog D; minus strand). Cytogenetic location: 17q25.1.
Variant type: single nucleotide variant.
Coding change: c.869C>T on transcript NM_199242.3 (MANE Select); coding-DNA position 869, C replaced by T.
Protein change: p.Ser290Leu; replaces serine 290 with leucine.
Molecular consequence: missense variant.
Genome position (GRCh38, 1-based): chr17:75,840,100, G>A on the plus strand (C>T on the coding strand, the complement: UNC13D is on the minus strand). VCF-style: chr17-75840100-G-A. GRCh37 (hg19) VCF-style: chr17-73836181-G-A.
Other names: short protein forms S290L.
Identifiers: ClinVar variation 960980 (VCV000960980.12), dbSNP rs202020396, ClinGen allele CA8773227.